The following is an entry in ClinVar:

ClinVar aggregate classification (germline): Uncertain significance (1 of 4 stars; one submission).

Submission:

GeneDx
Classification: Uncertain significance. Last evaluated: 2026-03-20. Review status: criteria provided, single submitter. Criteria: GeneDx Variant Classification Process June 2021. Collection method: clinical testing. Allele origin: germline.
Comment: Not observed at significant frequency in large population cohorts (gnomAD); In silico analysis supports a deleterious effect on splicing; Has not been previously published as pathogenic or benign to our knowledge; Located in a regulatory region; in the absence of functional studies, the actual effect of this sequence change is unknown

NM_007325.5(GRIA3):c.*2+3A>G

Gene: GRIA3 (glutamate ionotropic receptor AMPA type subunit 3; plus strand). Cytogenetic location: Xq25.
Variant type: single nucleotide variant.
Coding change: c.*2+3A>G on transcript NM_007325.5 (MANE Select); 3 bases into the intron after 2 bases downstream of the stop codon, A replaced by G.
Molecular consequence: intron variant.
Genome position (GRCh38, 1-based): chrX:123,483,049, A>G. VCF-style: chrX-123483049-A-G. GRCh37 (hg19) VCF-style: chrX-122616900-A-G.
Other names: c.*2+3A>G (NM_000828.5).
Identifiers: ClinVar variation 5009489 (VCV005009489.1).